The following is an entry in ClinVar:

NM_030762.3(BHLHE41):c.912T>G (p.Leu304=)

Genes: BHLHE41 (basic helix-loop-helix family member e41; minus strand), SSPN (sarcospan; plus strand). Cytogenetic location: 12p12.1.
Variant type: single nucleotide variant.
Coding change: c.912T>G on transcript NM_030762.3 (MANE Select); coding-DNA position 912, T replaced by G.
Protein change: p.Leu304=; no amino-acid change (leucine 304 retained).
Molecular consequence: synonymous variant.
Genome position (GRCh38, 1-based): chr12:26,122,603, A>C on the plus strand (T>G on the coding strand, the complement: BHLHE41 is on the minus strand). VCF-style: chr12-26122603-A-C. GRCh37 (hg19) VCF-style: chr12-26275536-A-C.
Identifiers: ClinVar variation 4872115 (VCV004872115.2).

ClinVar aggregate classification (germline): Likely benign (1 of 4 stars; one submission).

gnomAD v4.1: 133 of 1,115,392 alleles (0.012%); highest among the groups gnomAD compares: Non-Finnish European, 0.014%; no homozygotes.

Submission:

CeGaT Center for Human Genetics Tuebingen
Classification: Likely benign. Last evaluated: 2026-06-01. Review status: criteria provided, single submitter. Criteria: CeGaT Center For Human Genetics Tuebingen Variant Classification Criteria Version 2. Collection method: clinical testing. Allele origin: germline. Affected: yes. Observed: 1 variant allele.
Comment: BHLHE41: BP4, BP7